The following is an entry in ClinVar:

NM_022042.4(SLC26A1):c.2007C>G (p.Asp669Glu)

Genes: IDUA (alpha-L-iduronidase; plus strand), SLC26A1 (solute carrier family 26 member 1; minus strand). Cytogenetic location: 4p16.3.
Variant type: single nucleotide variant.
Coding change: c.2007C>G on transcript NM_022042.4 (MANE Select); coding-DNA position 2007, C replaced by G.
Protein change: p.Asp669Glu; replaces aspartic acid 669 with glutamic acid.
Molecular consequence: missense variant. On other transcripts: intron variant (2).
Genome position (GRCh38, 1-based): chr4:988,932, G>C on the plus strand (C>G on the coding strand, the complement: SLC26A1 is on the minus strand). VCF-style: chr4-988932-G-C. GRCh37 (hg19) VCF-style: chr4-982720-G-C.
Other names: c.2007C>G, p.Asp669Glu (NM_213613.4); c.576+2196C>G (NM_134425.4); c.299+983G>C (NM_000203.5); c.2007C>G (NM_022042.3); short protein forms D669E.
Identifiers: ClinVar variation 710625 (VCV000710625.12), dbSNP rs147669408, ClinGen allele CA2801199.

ClinVar aggregate classification (germline): Conflicting classifications of pathogenicity. Review status: criteria provided, conflicting classifications (1 of 4 stars). 4 submissions from 4 submitters: Uncertain significance (1); Likely benign (3). Last evaluated 2026-07-01.

Conditions:
SLC26A1-related disorder. Also called: SLC26A1-related condition.

Allele frequency attached by ClinVar (database versions not stated): 1000 Genomes Project 30x 0.00016; 1000 Genomes Project 0.00020; TOPMed 0.00077; gnomAD exomes 0.00087 and 0.00125; gnomAD 0.00095 and 0.00099; ExAC 0.00134; ESP Exome Variant Server 0.00139.
gnomAD v4.1: 1,946 of 1,600,602 alleles (0.12%); highest among the groups gnomAD compares: Non-Finnish European, 0.15%; 6 homozygotes.

Submissions (4):

CeGaT Center for Human Genetics Tuebingen
Classification: Likely benign. Last evaluated: 2026-07-01. Review status: criteria provided, single submitter. Criteria: CeGaT Center For Human Genetics Tuebingen Variant Classification Criteria Version 2. Collection method: clinical testing. Allele origin: germline. Affected: yes. Observed: 1 variant allele.
Comment: SLC26A1: BS2

Labcorp Genetics (formerly Invitae), Labcorp
Classification: Likely benign. Last evaluated: 2026-01-07. Review status: criteria provided, single submitter. Criteria: Invitae Variant Classification Sherloc (09022015). Collection method: clinical testing. Allele origin: germline.

PreventionGenetics, part of Exact Sciences
Classification: Likely benign for SLC26A1-related condition. Last evaluated: 2025-01-08. Review status: criteria provided, single submitter. Criteria: ACMG Guidelines, 2015. Collection method: clinical testing. Allele origin: germline.
Comment: This variant is classified as likely benign based on ACMG/AMP sequence variant interpretation guidelines (Richards et al. 2015 PMID: 25741868, with internal and published modifications).

Blueprint Genetics
Classification: Uncertain significance. Last evaluated: 2024-11-12. Review status: criteria provided, single submitter. Criteria: ACMG Guidelines, 2015. Collection method: clinical testing. Allele origin: germline.